The following is an entry in ClinVar:

ClinVar aggregate classification (germline): Uncertain significance (1 of 4 stars; one submission).

Allele frequency attached by ClinVar (database versions not stated): ExAC 0.00001; gnomAD 0.00002; TOPMed 0.00002; gnomAD exomes 0.00004; ESP Exome Variant Server 0.00008.
gnomAD v4.1: 56 of 1,613,952 alleles (0.0035%); highest among the groups gnomAD compares: Non-Finnish European, 0.0042%; no homozygotes.

Submission:

Labcorp Genetics (formerly Invitae), Labcorp
Classification: Uncertain significance. Last evaluated: 2025-03-18. Review status: criteria provided, single submitter. Criteria: Invitae Variant Classification Sherloc (09022015). Collection method: clinical testing. Allele origin: germline.
Comment: This sequence change replaces proline, which is neutral and non-polar, with leucine, which is neutral and non-polar, at codon 783 of the ASXL1 protein (p.Pro783Leu). This variant is present in population databases (rs375321203, gnomAD 0.008%). This variant has not been reported in the literature in individuals affected with ASXL1-related conditions. ClinVar contains an entry for this variant (Variation ID: 2190205). An algorithm developed to predict the effect of missense changes on protein structure and function outputs the following: PolyPhen-2: "Benign". The leucine amino acid residue is found in multiple mammalian species, which suggests that this missense change does not adversely affect protein function. In summary, the available evidence is currently insufficient to determine the role of this variant in disease. Therefore, it has been classified as a Variant of Uncertain Significance.

NM_015338.6(ASXL1):c.2348C>T (p.Pro783Leu)

Gene: ASXL1 (ASXL transcriptional regulator 1; plus strand). Cytogenetic location: 20q11.21.
Variant type: single nucleotide variant.
Coding change: c.2348C>T on transcript NM_015338.6 (MANE Select); coding-DNA position 2348, C replaced by T.
Protein change: p.Pro783Leu; replaces proline 783 with leucine.
Molecular consequence: missense variant.
Genome position (GRCh38, 1-based): chr20:32,435,060, C>T. VCF-style: chr20-32435060-C-T. GRCh37 (hg19) VCF-style: chr20-31022863-C-T.
Other names: c.2165C>T, p.Pro722Leu (NM_001363734.1); short protein forms P783L, P722L.
Identifiers: ClinVar variation 2190205 (VCV002190205.4), dbSNP rs375321203, ClinGen allele CA9808596.
Genomic context (GRCh38, chr20:32,435,060, plus strand): 5'-CCCTACTGTCCTCCCAAACCTCAGTAGCTGAGAGATTAGTGGAGCAGCCTCAGTTGCATC[C>T]GGATGTTAGAACTGAATGTGAGTCTGGCACCACTTCCTGGGAAAGTGATGATGAGGAGCA-3'
Protein context (NP_056153.2, residues 773-793): ERLVEQPQLH[Pro783Leu]DVRTECESGT